The following is an entry in ClinVar:

ClinVar aggregate classification (germline): Likely pathogenic (1 of 4 stars; one submission).

Conditions:
Intrauterine growth retardation, metaphyseal dysplasia, adrenal hypoplasia congenita, genital anomalies, and immunodeficiency. Also called: IMAGEI SYNDROME. Identifiers: MedGen C5193036, MONDO:0032684, OMIM 618336.

Submission:

Juno Genomics, Hangzhou Juno Genomics, Inc
Classification: Likely pathogenic for Intrauterine growth retardation, metaphyseal dysplasia, adrenal hypoplasia congenita, genital anomalies, and immunodeficiency. Review status: criteria provided, single submitter. Criteria: ACMG Guidelines, 2015. Collection method: clinical testing. Allele origin: germline.
Comment: Absent from controls (or at extremely low frequency if recessive) in Genome Aggregation Database.;Null variant in a gene where loss of function (LOF) is a known mechanism of disease.

NM_006231.4(POLE):c.3028_3031dup (p.Asp1011delinsGlyTer)

Gene: POLE (DNA polymerase epsilon, catalytic subunit; minus strand). Cytogenetic location: 12q24.33.
Variant type: Duplication.
Coding change: c.3028_3031dup on transcript NM_006231.4 (MANE Select); coding-DNA positions 3028 to 3031, 4 bases duplicated (GCTG; older notation c.3028_3031dupGCTG).
Protein change: p.Asp1011delinsGlyTer.
Molecular consequence: nonsense.
Genome position (GRCh38, 1-based): chr12:132,660,998-132,661,001, CAGC duplicated on the plus strand (GCTG on the coding strand, the reverse complement: POLE is on the minus strand); duplicating any 4 consecutive bases within chr12:132,660,998-132,661,003 gives the same sequence; the c. name uses the placement nearest the transcript's 3' end. VCF-style (leftmost placement, unchanged base first): chr12-132660997-T-TCAGC. GRCh37 (hg19) VCF-style: chr12-133237583-T-TCAGC.
Identifiers: ClinVar variation 5019518 (VCV005019518.2).